The following is an entry in ClinVar:

ClinVar aggregate classification (germline): Uncertain significance. Review status: criteria provided, multiple submitters, no conflicts (2 of 4 stars). 2 submissions from 2 submitters: Uncertain significance (2). Last evaluated 2025-11-11.

Conditions:
Mitochondrial complex II deficiency, nuclear type 1. Also called: SUCCINATE CoQ REDUCTASE DEFICIENCY. Identifiers: Orphanet 3208, MedGen C5700310, MONDO:0100294, OMIM 252011.
Pheochromocytoma/paraganglioma syndrome 5. Also called: Paragangliomas 5; SDHA-Related Hereditary Paraganglioma-Pheochromocytoma Syndrome. Identifiers: Orphanet 29072, MedGen C3279992, MONDO:0013602, OMIM 614165.
Hereditary cancer-predisposing syndrome. Also called: Neoplastic Syndromes, Hereditary; Hereditary Cancer Syndrome; Hereditary neoplastic syndrome; Tumor predisposition. Identifiers: Orphanet 140162, MedGen C0027672, MeSH D009386, MONDO:0015356.

Submissions (2):

Ambry Genetics
Classification: Uncertain significance for Hereditary cancer-predisposing syndrome. Last evaluated: 2025-11-11. Review status: criteria provided, single submitter. Criteria: Ambry Variant Classification Scheme 2023. Collection method: clinical testing. Allele origin: germline.
Comment: The p.P399S variant (also known as c.1195C>T), located in coding exon 9 of the SDHA gene, results from a C to T substitution at nucleotide position 1195. The proline at codon 399 is replaced by serine, an amino acid with similar properties. This amino acid position is conserved. In addition, this alteration is predicted to be deleterious by in silico analysis. Based on the available evidence, the clinical significance of this variant remains unclear.

Labcorp Genetics (formerly Invitae), Labcorp
Classification: Uncertain significance for Pheochromocytoma/paraganglioma syndrome 5; Mitochondrial complex II deficiency, nuclear type 1. Last evaluated: 2023-09-23. Review status: criteria provided, single submitter. Criteria: Invitae Variant Classification Sherloc (09022015). Collection method: clinical testing. Allele origin: germline.
Comment: In summary, the available evidence is currently insufficient to determine the role of this variant in disease. Therefore, it has been classified as a Variant of Uncertain Significance. Advanced modeling of protein sequence and biophysical properties (such as structural, functional, and spatial information, amino acid conservation, physicochemical variation, residue mobility, and thermodynamic stability) has been performed at Invitae for this missense variant, however the output from this modeling did not meet the statistical confidence thresholds required to predict the impact of this variant on SDHA protein function. ClinVar contains an entry for this variant (Variation ID: 1465960). This variant has not been reported in the literature in individuals affected with SDHA-related conditions. This variant is not present in population databases (gnomAD no frequency). This sequence change replaces proline, which is neutral and non-polar, with serine, which is neutral and polar, at codon 399 of the SDHA protein (p.Pro399Ser).

NM_004168.4(SDHA):c.1195C>T (p.Pro399Ser)

Gene: SDHA (succinate dehydrogenase complex flavoprotein subunit A; plus strand). Cytogenetic location: 5p15.33.
Variant type: single nucleotide variant.
Coding change: c.1195C>T on transcript NM_004168.4 (MANE Select); coding-DNA position 1195, C replaced by T.
Protein change: p.Pro399Ser; replaces proline 399 with serine.
Molecular consequence: missense variant.
Genome position (GRCh38, 1-based): chr5:235,274, C>T. VCF-style: chr5-235274-C-T. GRCh37 (hg19) VCF-style: chr5-235389-C-T.
Other names: c.1051C>T, p.Pro351Ser (NM_001294332.2); c.1195C>T, p.Pro399Ser (NM_001330758.2); c.1195C>T (NM_004168.2); short protein forms P399S, P351S.
Identifiers: ClinVar variation 1465960 (VCV001465960.7), dbSNP rs2126585242, ClinGen allele CA359013647.